The following is an entry in ClinVar:

ClinVar aggregate classification (germline): Uncertain significance (1 of 4 stars; one submission).

Conditions:
Glycogen storage disease IV, classic hepatic. Also called: GSD IV, CLASSIC HEPATIC. Identifiers: MedGen C1856301.
Glycogen storage disease, type IV (GSD4). Also called: AMYLOPECTINOSIS; ANDERSEN DISEASE; BRANCHER DEFICIENCY; CIRRHOSIS, FAMILIAL, WITH DEPOSITION OF ABNORMAL GLYCOGEN; GBE1 DEFICIENCY; GLYCOGEN BRANCHING ENZYME DEFICIENCY. Identifiers: Orphanet 367, MedGen C0017923, MONDO:0009292, OMIM 232500.

Allele frequency attached by ClinVar (database versions not stated): gnomAD 0.00001; gnomAD exomes 0.00001; TOPMed 0.00001; ExAC 0.00003.
gnomAD v4.1: 12 of 1,605,744 alleles (0.00075%); highest among the groups gnomAD compares: Middle Eastern, 0.016%; no homozygotes.

Submission:

Labcorp Genetics (formerly Invitae), Labcorp
Classification: Uncertain significance for Glycogen storage disease, type IV; Glycogen storage disease IV, classic hepatic. Last evaluated: 2025-09-11. Review status: criteria provided, single submitter. Criteria: Invitae Variant Classification Sherloc (09022015). Collection method: clinical testing. Allele origin: germline.
Comment: This sequence change replaces arginine, which is basic and polar, with histidine, which is basic and polar, at codon 468 of the GBE1 protein (p.Arg468His). The frequency data for this variant in the population databases is considered unreliable, as metrics indicate poor data quality at this position in the gnomAD database. This variant has not been reported in the literature in individuals affected with GBE1-related conditions. ClinVar contains an entry for this variant (Variation ID: 1896460). Invitae Evidence Modeling of protein sequence and biophysical properties (such as structural, functional, and spatial information, amino acid conservation, physicochemical variation, residue mobility, and thermodynamic stability) indicates that this missense variant is expected to disrupt GBE1 protein function with a positive predictive value of 80%. In summary, the available evidence is currently insufficient to determine the role of this variant in disease. Therefore, it has been classified as a Variant of Uncertain Significance.

NM_000158.4(GBE1):c.1403G>A (p.Arg468His)

Gene: GBE1 (1,4-alpha-glucan branching enzyme 1; minus strand). Cytogenetic location: 3p12.2.
Variant type: single nucleotide variant.
Coding change: c.1403G>A on transcript NM_000158.4 (MANE Select); coding-DNA position 1403, G replaced by A.
Protein change: p.Arg468His; replaces arginine 468 with histidine.
Molecular consequence: missense variant.
Genome position (GRCh38, 1-based): chr3:81,581,208, C>T on the plus strand (G>A on the coding strand, the complement: GBE1 is on the minus strand). VCF-style: chr3-81581208-C-T. GRCh37 (hg19) VCF-style: chr3-81630359-C-T.
Other names: short protein forms R468H.
Identifiers: ClinVar variation 1896460 (VCV001896460.3), dbSNP rs766154729, ClinGen allele CA2499677.
Genomic context (GRCh38, chr3:81,581,208, plus strand): 5'-TGCACATATTCATTTACCTGATCATGGCTCTCTGCATAAGCAATGCACTTTTCAAGGTAG[C>T]GCCTGTTTGTGAGCGTGTATACTATATCGCCCATGTTCCAGTCTTCATCTTTAAACTCTT-3'
Protein context (NP_000149.4, residues 458-478): GDIVYTLTNR[Arg468His]YLEKCIAYAE